The following is an entry in ClinVar:

NM_001018005.2(TPM1):c.445A>C (p.Lys149Gln)

Gene: TPM1 (tropomyosin 1; plus strand). Cytogenetic location: 15q22.2.
Variant type: single nucleotide variant.
Coding change: c.445A>C on transcript NM_001018005.2 (MANE Select); coding-DNA position 445, A replaced by C.
Protein change: p.Lys149Gln; replaces lysine 149 with glutamine.
Molecular consequence: missense variant. On other transcripts: non-coding transcript variant (17).
Genome position (GRCh38, 1-based): chr15:63,059,633, A>C. VCF-style: chr15-63059633-A-C. GRCh37 (hg19) VCF-style: chr15-63351832-A-C.
Other names: c.445A>C, p.Lys149Gln (NM_000366.6, NM_001018004.2, NM_001018006.2 and 20 more transcripts); c.337A>C, p.Lys113Gln (NM_001018008.2, NM_001301289.2, NM_001330344.2 and 9 more transcripts); c.571A>C, p.Lys191Gln (NM_001365778.1, NM_001407322.1, NM_001407323.1 and 1 more transcripts); short protein forms K113Q, K149Q, K191Q.
Identifiers: ClinVar variation 3895285 (VCV003895285.1).

ClinVar aggregate classification (germline): Uncertain significance (1 of 4 stars; one submission).

Conditions:
Cardiovascular phenotype. Identifiers: MedGen CN230736.

Submission:

Molecular Diagnostic Laboratory for Inherited Cardiovascular Disease, Montreal Heart Institute
Classification: Uncertain significance for Cardiovascular phenotype. Last evaluated: 2025-04-09. Review status: criteria provided, single submitter. Criteria: ACMG Guidelines, 2015. Collection method: clinical testing. Allele origin: germline. Affected: yes.
Comment: PM2;PP2